The following is an entry in ClinVar:

ClinVar aggregate classification (germline): Uncertain significance. Review status: criteria provided, multiple submitters, no conflicts (2 of 4 stars). 2 submissions from 2 submitters: Uncertain significance (2). Last evaluated 2026-02-19.

Conditions:
Hereditary cancer-predisposing syndrome. Also called: Tumor predisposition; Hereditary neoplastic syndrome; Hereditary Cancer Syndrome; Neoplastic Syndromes, Hereditary. Identifiers: Orphanet 140162, MedGen C0027672, MeSH D009386, MONDO:0015356.
Microcephaly, normal intelligence and immunodeficiency (NBS). Also called: Nijmegen breakage syndrome; Microcephaly with normal intelligence immunodeficiency and lymphoreticular malignancies; Nonsyndromal microcephaly autosomal recessive with normal intelligence; Seemanova syndrome 2; IMMUNODEFICIENCY, MICROCEPHALY, AND CHROMOSOMAL INSTABILITY; Ataxia telangiectasia variant V1. Identifiers: Orphanet 647, MedGen C0398791, MONDO:0009623, OMIM 251260.

Submissions (2):

Ambry Genetics
Classification: Uncertain significance for Hereditary cancer-predisposing syndrome. Last evaluated: 2026-02-19. Review status: criteria provided, single submitter. Criteria: Ambry Variant Classification Scheme 2023. Collection method: clinical testing. Allele origin: germline.
Comment: The p.N684H variant (also known as c.2050A>C), located in coding exon 13 of the NBN gene, results from an A to C substitution at nucleotide position 2050. The asparagine at codon 684 is replaced by histidine, an amino acid with similar properties. This amino acid position is conserved. In addition, the in silico prediction for this alteration is inconclusive. Based on the available evidence, the clinical significance of this variant remains unclear.

Labcorp Genetics (formerly Invitae), Labcorp
Classification: Uncertain significance for Microcephaly, normal intelligence and immunodeficiency. Last evaluated: 2021-12-23. Review status: criteria provided, single submitter. Criteria: Invitae Variant Classification Sherloc (09022015). Collection method: clinical testing. Allele origin: germline.
Comment: This sequence change replaces asparagine, which is neutral and polar, with histidine, which is basic and polar, at codon 684 of the NBN protein (p.Asn684His). This variant is not present in population databases (gnomAD no frequency). This variant has not been reported in the literature in individuals affected with NBN-related conditions. ClinVar contains an entry for this variant (Variation ID: 920858). Algorithms developed to predict the effect of missense changes on protein structure and function are either unavailable or do not agree on the potential impact of this missense change (SIFT: "Deleterious"; PolyPhen-2: "Probably Damaging"; Align-GVGD: "Class C0"). In summary, the available evidence is currently insufficient to determine the role of this variant in disease. Therefore, it has been classified as a Variant of Uncertain Significance.

NM_002485.5(NBN):c.2050A>C (p.Asn684His)

Gene: NBN (nibrin; minus strand). Cytogenetic location: 8q21.3.
Variant type: single nucleotide variant.
Coding change: c.2050A>C on transcript NM_002485.5 (MANE Select); coding-DNA position 2050, A replaced by C.
Protein change: p.Asn684His; replaces asparagine 684 with histidine.
Molecular consequence: missense variant.
Genome position (GRCh38, 1-based): chr8:89,946,160, T>G on the plus strand (A>C on the coding strand, the complement: NBN is on the minus strand). VCF-style: chr8-89946160-T-G. GRCh37 (hg19) VCF-style: chr8-90958388-T-G.
Other names: c.1804A>C, p.Asn602His (NM_001024688.3); short protein forms N602H, N684H.
Identifiers: ClinVar variation 920858 (VCV000920858.7), dbSNP rs1810176238, ClinGen allele CA371676360.